The following is an entry in ClinVar:

ClinVar aggregate classification (germline): Uncertain significance (1 of 4 stars; one submission).

Allele frequency attached by ClinVar (database versions not stated): gnomAD 0.00001; gnomAD exomes below 0.00001.
gnomAD v4.1: 5 of 1,611,928 alleles (0.00031%); highest among the groups gnomAD compares: South Asian, 0.0044%; no homozygotes.

Submission:

Ambry Genetics
Classification: Uncertain significance. Last evaluated: 2025-04-29. Review status: criteria provided, single submitter. Criteria: Ambry Variant Classification Scheme 2023. Collection method: clinical testing. Allele origin: germline.
Comment: The p.S1213G variant (also known as c.3637A>G), located in coding exon 32 of the KIF1B gene, results from an A to G substitution at nucleotide position 3637. The serine at codon 1213 is replaced by glycine, an amino acid with similar properties. This amino acid position is highly conserved in available vertebrate species. In addition, the in silico prediction for this alteration is inconclusive. Since supporting evidence is limited at this time, the clinical significance of this alteration remains unclear.

NM_001365951.3(KIF1B):c.3775A>G (p.Ser1259Gly)

Gene: KIF1B (kinesin family member 1B; plus strand). Cytogenetic location: 1p36.22.
Variant type: single nucleotide variant.
Coding change: c.3775A>G on transcript NM_001365951.3 (MANE Select); coding-DNA position 3775, A replaced by G.
Protein change: p.Ser1259Gly; replaces serine 1259 with glycine.
Molecular consequence: missense variant.
Genome position (GRCh38, 1-based): chr1:10,345,931, A>G. VCF-style: chr1-10345931-A-G. GRCh37 (hg19) VCF-style: chr1-10405989-A-G.
Other names: c.3775A>G, p.Ser1259Gly (NM_001365952.1); c.3637A>G, p.Ser1213Gly (NM_015074.3); short protein forms S1213G, S1259G.
Identifiers: ClinVar variation 1733455 (VCV001733455.3), dbSNP rs1409117621, ClinGen allele CA338342546.
Genomic context (GRCh38, chr1:10,345,931, plus strand): 5'-AGCAAAACCAGCCTTGGCCAGAGCATGAGCAAGTATGACCTCCTGGTTTGGTTTGAGATC[A>G]GTGAACTGGAGCCTACAGGAGAGTAAGTCCAACTTAATAAATTTTTAAATAAGGCAAAAT-3'
Protein context (NP_001352880.1, residues 1249-1269): KYDLLVWFEI[Ser1259Gly]ELEPTGEYIP